The following is an entry in ClinVar:

NM_001384140.1(PCDH15):c.2091+1G>A

Gene: PCDH15 (protocadherin related 15; minus strand). Cytogenetic location: 10q21.1.
Variant type: single nucleotide variant.
Coding change: c.2091+1G>A on transcript NM_001384140.1 (MANE Select); the canonical splice donor site of the intron after coding-DNA position 2091, G replaced by A.
Molecular consequence: splice donor variant.
Genome position (GRCh38, 1-based): chr10:54,079,330, C>T on the plus strand (G>A on the coding strand, the complement: PCDH15 is on the minus strand). VCF-style: chr10-54079330-C-T. GRCh37 (hg19) VCF-style: chr10-55839090-C-T.
Other names: c.2091+1G>A (NM_001354420.2, NM_001354429.2, NM_001142772.2 and 5 more transcripts); c.2106+1G>A (NM_001142771.2, NM_001142763.2); c.2112+1G>A (NM_001354411.2); c.2127+1G>A (NM_001142769.3); c.2025+1G>A (NM_001354404.2, NM_001142773.2, NM_001142768.2); c.1980+1G>A (NM_001142767.2); c.1878+1G>A (NM_001142765.2).
Identifiers: ClinVar variation 1067868 (VCV001067868.9), dbSNP rs2135947041, ClinGen allele CA376520610.

ClinVar aggregate classification (germline): Likely pathogenic (1 of 4 stars; one submission).

Submission:

Labcorp Genetics (formerly Invitae), Labcorp
Classification: Likely pathogenic. Last evaluated: 2020-09-09. Review status: criteria provided, single submitter. Criteria: Invitae Variant Classification Sherloc (09022015). Collection method: clinical testing. Allele origin: germline.
Comment: In summary, the currently available evidence indicates that the variant is pathogenic, but additional data are needed to prove that conclusively. Therefore, this variant has been classified as Likely Pathogenic. This sequence change affects a donor splice site in intron 17 of the PCDH15 gene. It is expected to disrupt RNA splicing and likely results in an absent or disrupted protein product. This variant is not present in population databases (ExAC no frequency). Disruption of this splice site has been observed in individual(s) with nonsyndromic deafness (PMID: 21117948). Algorithms developed to predict the effect of sequence changes on RNA splicing suggest that this variant may disrupt the consensus splice site, but this prediction has not been confirmed by published transcriptional studies. Donor and acceptor splice site variants typically lead to a loss of protein function (PMID: 16199547), and loss-of-function variants in PCDH15 are known to be pathogenic (PMID: 11398101, 11487575, 14570705).

Literature cited by the submitters: PubMed 21117948; PubMed 16199547; PubMed 11398101; PubMed 11487575; PubMed 14570705.